The following is an entry in ClinVar:

ClinVar aggregate classification (germline): Uncertain significance (1 of 4 stars; one submission).

Conditions:
Symmetrical dyschromatosis of extremities (DSH). Also called: RETICULATE ACROPIGMENTATION OF DOHI; SYMMETRIC DYSCHROMATOSIS OF THE EXTREMITIES; Dyschromatosis symmetrica hereditaria; DYSCHROMATOSIS SYMMETRICA HEREDITARIA 1. Identifiers: Orphanet 41, MedGen C0406775, MONDO:0007483, OMIM 127400.
Aicardi-Goutieres syndrome 6 (AGS6). Identifiers: Orphanet 51, MedGen C3539013, MONDO:0014007, OMIM 615010.

gnomAD v4.1: 2 of 1,613,784 alleles (0.00012%); highest among the groups gnomAD compares: African/African-American, 0.0027%; no homozygotes.

Submission:

Labcorp Genetics (formerly Invitae), Labcorp
Classification: Uncertain significance for Aicardi-Goutieres syndrome 6; Symmetrical dyschromatosis of extremities. Last evaluated: 2024-01-10. Review status: criteria provided, single submitter. Criteria: Invitae Variant Classification Sherloc (09022015). Collection method: clinical testing. Allele origin: germline.
Comment: This sequence change replaces proline, which is neutral and non-polar, with alanine, which is neutral and non-polar, at codon 113 of the ADAR protein (p.Pro113Ala). This variant is not present in population databases (gnomAD no frequency). This variant has not been reported in the literature in individuals affected with ADAR-related conditions. Algorithms developed to predict the effect of missense changes on protein structure and function output the following: SIFT: "Not Available"; PolyPhen-2: "Benign"; Align-GVGD: "Not Available". The alanine amino acid residue is found in multiple mammalian species, which suggests that this missense change does not adversely affect protein function. In summary, the available evidence is currently insufficient to determine the role of this variant in disease. Therefore, it has been classified as a Variant of Uncertain Significance.

NM_001111.5(ADAR):c.337C>G (p.Pro113Ala)

Gene: ADAR (adenosine deaminase RNA specific; minus strand). Cytogenetic location: 1q21.3.
Variant type: single nucleotide variant.
Coding change: c.337C>G on transcript NM_001111.5 (MANE Select); coding-DNA position 337, C replaced by G.
Protein change: p.Pro113Ala; replaces proline 113 with alanine.
Molecular consequence: missense variant. On other transcripts: 5 prime UTR variant (3), intron variant (3).
Genome position (GRCh38, 1-based): chr1:154,602,305, G>C on the plus strand (C>G on the coding strand, the complement: ADAR is on the minus strand). VCF-style: chr1-154602305-G-C. GRCh37 (hg19) VCF-style: chr1-154574781-G-C.
Other names: c.-549C>G (NM_001025107.3, NM_001193495.2, NM_001365048.1); c.364C>G, p.Pro122Ala (NM_001365045.1); c.337C>G, p.Pro113Ala (NM_015840.4, NM_015841.4); c.-492-57C>G (NM_001365046.1, NM_001365049.1, NM_001365047.1); short protein forms P113A, P122A.
Identifiers: ClinVar variation 2940623 (VCV002940623.3), dbSNP rs2526667782, ClinGen allele CA342604161.